The following is an entry in ClinVar:

NM_019066.5(MAGEL2):c.3633C>T (p.Ser1211=)

Gene: MAGEL2 (MAGE family member L2; minus strand). Cytogenetic location: 15q11.2.
Variant type: single nucleotide variant.
Coding change: c.3633C>T on transcript NM_019066.5 (MANE Select); coding-DNA position 3633, C replaced by T.
Protein change: p.Ser1211=; no amino-acid change (serine 1211 retained).
Molecular consequence: synonymous variant.
Genome position (GRCh38, 1-based): chr15:23,644,110, G>A on the plus strand (C>T on the coding strand, the complement: MAGEL2 is on the minus strand). VCF-style: chr15-23644110-G-A. GRCh37 (hg19) VCF-style: chr15-23889257-G-A.
Identifiers: ClinVar variation 3768315 (VCV003768315.1).

ClinVar aggregate classification (germline): Likely benign (1 of 4 stars; one submission).

Submission:

Women's Health and Genetics/Laboratory Corporation of America, LabCorp
Classification: Likely benign. Last evaluated: 2024-12-03. Review status: criteria provided, single submitter. Criteria: LabCorp Variant Classification Summary - May 2015. Collection method: clinical testing. Allele origin: germline.
Comment: Variant summary: MAGEL2 c.3633C>T alters a non-conserved nucleotide resulting in a synonymous change. Consensus agreement among computation tools predict no significant impact on normal splicing. However, these predictions have yet to be confirmed by functional studies. The variant allele was found at a frequency of 4e-06 in 249252 control chromosomes. The available data on variant occurrences in the general population are insufficient to allow any conclusion about variant significance. To our knowledge, no occurrence of c.3633C>T in individuals affected with Schaaf-Yang Syndrome and no experimental evidence demonstrating its impact on protein function have been reported. No submitters have cited clinical-significance assessments for this variant to ClinVar. Based on the evidence outlined above, the variant was classified as likely benign.